The following is an entry in ClinVar:

NM_004360.5(CDH1):c.1937-38_1937-19del

Gene: CDH1 (cadherin 1; plus strand). Cytogenetic location: 16q22.1.
Variant type: Deletion.
Coding change: c.1937-38_1937-19del on transcript NM_004360.5 (MANE Select); 38 bases into the intron before coding-DNA position 1937 through 19 bases into the intron before coding-DNA position 1937, 20 bases deleted (CCCCTGGTCTCATCATTTCT).
Molecular consequence: intron variant.
Genome position (GRCh38, 1-based): chr16:68,823,361-68,823,380, CCCCTGGTCTCATCATTTCT deleted; deleting any 20 consecutive bases within chr16:68,823,359-68,823,380 gives the same sequence; the c. name uses the placement nearest the transcript's 3' end. VCF-style (leftmost placement, unchanged base first): chr16-68823358-CCTCCCCTGGTCTCATCATTT-C. GRCh37 (hg19) VCF-style: chr16-68857261-CCTCCCCTGGTCTCATCATTT-C.
Other names: c.389-38_389-19del (NM_001317185.2); c.-29-38_-29-19del (NM_001317186.2); c.1754-38_1754-19del (NM_001317184.2).
Identifiers: ClinVar variation 3378923 (VCV003378923.1).

ClinVar aggregate classification (germline): Benign (1 of 4 stars; one submission).

Conditions:
Hereditary diffuse gastric adenocarcinoma (HDGC). Also called: DIFFUSE GASTRIC AND LOBULAR BREAST CANCER SYNDROME. Identifiers: Orphanet 26106, MedGen C1708349, MONDO:0007648, OMIM 137215.

Submission:

Myriad Genetics, Inc.
Classification: Benign for Hereditary diffuse gastric adenocarcinoma. Last evaluated: 2024-09-20. Review status: criteria provided, single submitter. Criteria: Myriad Autosomal Dominant, Autosomal Recessive and X-Linked Classification Criteria (2023). Collection method: clinical testing. Allele origin: unknown.
Comment: This variant is considered benign. This variant is intronic and is not expected to impact mRNA splicing.